The following is an entry in ClinVar:

NM_003072.5(SMARCA4):c.4316A>G (p.Lys1439Arg)

Gene: SMARCA4 (SWI/SNF related BAF chromatin remodeling complex subunit ATPase 4; plus strand). Cytogenetic location: 19p13.2.
Variant type: single nucleotide variant.
Coding change: c.4316A>G on transcript NM_003072.5 (MANE Select); coding-DNA position 4316, A replaced by G.
Protein change: p.Lys1439Arg; replaces lysine 1439 with arginine.
Molecular consequence: missense variant. On other transcripts: non-coding transcript variant (1).
Genome position (GRCh38, 1-based): chr19:11,041,452, A>G. VCF-style: chr19-11041452-A-G. GRCh37 (hg19) VCF-style: chr19-11152128-A-G.
Other names: c.4316A>G, p.Lys1439Arg (NM_001128844.3); c.4226A>G, p.Lys1409Arg (NM_001128845.2, NM_001128846.2); c.4217A>G, p.Lys1406Arg (NM_001128847.4, NM_001128848.2, NM_001374457.1); c.4412A>G, p.Lys1471Arg (NM_001128849.3, NM_001387283.1); c.4313A>G, p.Lys1438Arg (NM_001411150.1); short protein forms K1406R, K1409R, K1438R, K1439R, K1471R.
Identifiers: ClinVar variation 1721461 (VCV001721461.8), dbSNP rs1409321149, ClinGen allele CA404073810.

ClinVar aggregate classification (germline): Uncertain significance. Review status: criteria provided, multiple submitters, no conflicts (2 of 4 stars). 2 submissions from 2 submitters: Uncertain significance (2). Last evaluated 2023-01-27.

Conditions:
Hereditary cancer-predisposing syndrome. Also called: Hereditary neoplastic syndrome; Neoplastic Syndromes, Hereditary; Hereditary Cancer Syndrome; Tumor predisposition. Identifiers: Orphanet 140162, MedGen C0027672, MeSH D009386, MONDO:0015356.
Rhabdoid tumor predisposition syndrome 2 (RTPS2). Identifiers: Orphanet 231108, Orphanet 69077, MedGen C2750074, MONDO:0013224, OMIM 613325.

Allele frequency attached by ClinVar (database versions not stated): gnomAD exomes 0.00001.
gnomAD v4.1: 3 of 1,612,686 alleles (0.00019%); highest among the groups gnomAD compares: Non-Finnish European, 0.00025%; no homozygotes.

Submissions (2):

Labcorp Genetics (formerly Invitae), Labcorp
Classification: Uncertain significance for Rhabdoid tumor predisposition syndrome 2. Last evaluated: 2023-01-27. Review status: criteria provided, single submitter. Criteria: Invitae Variant Classification Sherloc (09022015). Collection method: clinical testing. Allele origin: germline.
Comment: Advanced modeling of protein sequence and biophysical properties (such as structural, functional, and spatial information, amino acid conservation, physicochemical variation, residue mobility, and thermodynamic stability) performed at Invitae indicates that this missense variant is not expected to disrupt SMARCA4 protein function. In summary, the available evidence is currently insufficient to determine the role of this variant in disease. Therefore, it has been classified as a Variant of Uncertain Significance. This sequence change replaces lysine, which is basic and polar, with arginine, which is basic and polar, at codon 1471 of the SMARCA4 protein (p.Lys1471Arg). This variant is present in population databases (no rsID available, gnomAD 0.0009%). This variant has not been reported in the literature in individuals affected with SMARCA4-related conditions. ClinVar contains an entry for this variant (Variation ID: 1721461).

Ambry Genetics
Classification: Uncertain significance for Hereditary cancer-predisposing syndrome. Last evaluated: 2022-10-27. Review status: criteria provided, single submitter. Criteria: Ambry Variant Classification Scheme 2023. Collection method: clinical testing. Allele origin: germline.
Comment: The p.K1471R variant (also known as c.4412A>G), located in coding exon 30 of the SMARCA4 gene, results from an A to G substitution at nucleotide position 4412. The lysine at codon 1471 is replaced by arginine, an amino acid with highly similar properties. This amino acid position is highly conserved in available vertebrate species. In addition, the in silico prediction for this alteration is inconclusive. Missense and in-frame variants in SMARCA4 are known to cause neurodevelopmental disorders; however, such associations with rhabdoid tumor predisposition syndrome including small cell carcinoma of the ovary-hypercalcemic type (SCCOHT) are exceedingly rare (Kosho T et al. Am J Med Genet C Semin Med Genet. 2014 Sep;166C(3):262-75; Jelinic P et al. Nat Genet. 2014 May;46(5):424-6). Based on the supporting evidence, the association of this alteration with Coffin-Siris syndrome is unknown; however, the association of this alteration with rhabdoid tumor predisposition syndrome is unlikely.